The following is an entry in ClinVar:

ClinVar aggregate classification (germline): Likely benign (1 of 4 stars; one submission).

Allele frequency attached by ClinVar (database versions not stated): 1000 Genomes Project 30x 0.00297; 1000 Genomes Project 0.00359; ESP Exome Variant Server 0.00564; ExAC 0.00592; gnomAD 0.00623.
gnomAD v4.1: 12,218 of 1,608,164 alleles (0.76%); highest among the groups gnomAD compares: Non-Finnish European, 0.89%; 68 homozygotes.

Submission:

CeGaT Center for Human Genetics Tuebingen
Classification: Likely benign. Last evaluated: 2026-03-01. Review status: criteria provided, single submitter. Criteria: CeGaT Center For Human Genetics Tuebingen Variant Classification Criteria Version 2. Collection method: clinical testing. Allele origin: germline. Affected: yes. Observed: 3 variant alleles.
Comment: DNAH14: BP4, BS2

NM_001367479.1(DNAH14):c.440C>T (p.Pro147Leu)

Gene: DNAH14 (dynein axonemal heavy chain 14; plus strand). Cytogenetic location: 1q42.12.
Variant type: single nucleotide variant.
Coding change: c.440C>T on transcript NM_001367479.1 (MANE Select); coding-DNA position 440, C replaced by T.
Protein change: p.Pro147Leu; replaces proline 147 with leucine.
Molecular consequence: missense variant.
Genome position (GRCh38, 1-based): chr1:224,964,551, C>T. VCF-style: chr1-224964551-C-T. GRCh37 (hg19) VCF-style: chr1-225152253-C-T.
Other names: c.440C>T, p.Pro147Leu (NM_001145154.3, NM_001349911.2, NM_001367481.1 and 1 more transcripts); c.290C>T, p.Pro97Leu (NM_001349912.2); short protein forms P147L, P97L.
Identifiers: ClinVar variation 2639939 (VCV002639939.24), dbSNP rs41267349, ClinGen allele CA1415536.
Genomic context (GRCh38, chr1:224,964,551, plus strand): 5'-ATGATGTGATAAGAAATATTATTAGGCTACGAGAAAAGCTTGGTTGGCAAACTATATTAC[C>T]GCAGCACAGTTTGAAATACGGAAGCTCCAAAATTGCAATTCAGAAGATTACTTTAAAGGT-3'
Protein context (NP_001354408.1, residues 137-157): REKLGWQTIL[Pro147Leu]QHSLKYGSSK